The following continues an entry in ClinVar:

NM_000518.5(HBB):c.25_26del (p.Lys9fs)

ClinVar aggregate classification (germline): Pathogenic. Pathogenic (22).

Submissions 14 to 26 of 26:

Dubai Health Genomic Medicine Center, Dubai Health
Classification: Pathogenic. Last evaluated: 2022-12-17. Review status: criteria provided, single submitter. Criteria: ACMG Guidelines, 2015. Collection method: clinical testing. Allele origin: germline. Affected: yes.

MGZ Medical Genetics Center
Classification: Pathogenic for Beta-thalassemia HBB/LCRB. Last evaluated: 2022-04-27. Review status: criteria provided, single submitter. Criteria: ACMG Guidelines, 2015. Collection method: clinical testing. Allele origin: germline. Affected: yes. Observed: 1 variant allele.
Comment: ACMG criteria applied: PVS1, PS4_MOD, PM3, PM2_SUP, PP4

Institute of Medical Genetics and Applied Genomics, University Hospital Tübingen
Classification: Pathogenic. Last evaluated: 2020-10-23. Review status: criteria provided, single submitter. Criteria: ACMG Guidelines, 2015. Collection method: clinical testing. Allele origin: germline. Inheritance: Autosomal unknown. Affected: yes.

Myriad Genetics, Inc.
Classification: Pathogenic for Beta-thalassemia HBB/LCRB. Last evaluated: 2019-12-20. Review status: criteria provided, single submitter. Criteria: Myriad Women's Health Autosomal Recessive and X-Linked Classification Criteria (2019). Collection method: clinical testing. Allele origin: unknown.
Comment: NM_000518.4(HBB):c.25_26delAA(aka K9Vfs*14) is classified as pathogenic in the context of Hb beta chain-related hemoglobinopathy; it is associated with beta thalassemia and is classified as a beta-zero variant. Sources cited for classification include the following: PMID 22851993, 25155404, 23321370, 2200760, 6985481 and 22110956. Classification of NM_000518.4(HBB):c.25_26delAA(aka K9Vfs*14) is based on the following criteria: The variant causes a premature termination codon that is expected to be targeted by nonsense-mediated mRNA decay and is reported in individuals with the relevant phenotype. Please note: this variant was assessed in the context of healthy population screening.

Quest Diagnostics Nichols Institute San Juan Capistrano
Classification: Pathogenic. Last evaluated: 2016-11-12. Review status: criteria provided, single submitter. Criteria: Quest Diagnostics criteria. Collection method: clinical testing. Allele origin: germline.

Clinical Genetics and Genomics, Karolinska University Hospital
Classification: Pathogenic. Last evaluated: 2016-03-08. Review status: criteria provided, single submitter. Criteria: ACMG Guidelines, 2015. Collection method: clinical testing. Allele origin: germline. Affected: yes. Observed: 17 variant alleles.

Women's Health and Genetics/Laboratory Corporation of America, LabCorp
Classification: Pathogenic for Beta Thalassemia. Last evaluated: 2011-08-18. Review status: criteria provided, single submitter. Criteria: LabCorp Variant Classification Summary - May 2015. Collection method: curation, clinical testing. Allele origin: germline. Inheritance: autosomal recessive. Affected: yes. Observed: 20 variant alleles.
ClinVar note: Converted during submission from pathogenic to Pathogenic.

Baylor Genetics
Classification: Pathogenic for Hb SS disease. Review status: criteria provided, single submitter. Criteria: ACMG Guidelines, 2015. Collection method: clinical testing. Allele origin: germline.

Kariminejad - Najmabadi Pathology & Genetics Center
Classification: Pathogenic for Hb SS disease. Review status: criteria provided, single submitter. Criteria: ACMG Guidelines, 2015. Collection method: clinical testing. Allele origin: germline. Affected: no.

Zotz-Klimas Genetics Lab, MVZ Zotz Klimas
Classification: Pathogenic for Beta-thalassemia HBB/LCRB. Last evaluated: 2023-10-09. Review status: no assertion criteria provided. Collection method: clinical testing. Allele origin: germline. Affected: yes. Not counted in ClinVar's aggregate classification.

The ITHANET community portal, The Cyprus Institute of Neurology and Genetics
Classification: Pathogenic for beta Thalassemia. Last evaluated: 2019-11-25. Review status: no assertion criteria provided. Collection method: curation. Allele origin: germline. Not counted in ClinVar's aggregate classification.

OMIM
Classification: Pathogenic for BETA-ZERO-THALASSEMIA. Last evaluated: 1995-04-01. Review status: no assertion criteria provided. Collection method: literature only. Allele origin: germline. Not counted in ClinVar's aggregate classification.

GeneReviews
No classification provided. Condition: beta Thalassemia. Review status: no classification provided. Collection method: literature only. Allele origin: germline. Not counted in ClinVar's aggregate classification.

Literature cited by the submitters: PubMed 23637309 (cited by Labcorp Genetics (formerly Invitae), Labcorp); PubMed 3828533 (cited by 3 submitters); PubMed 25405919 (cited by Labcorp Genetics (formerly Invitae), Labcorp); PubMed 26771086 (cited by Labcorp Genetics (formerly Invitae), Labcorp); PubMed 28391758 (cited by Labcorp Genetics (formerly Invitae), Labcorp and Natera, Inc.); PubMed 20301551 (cited by Center for Genomic Medicine, Rigshospitalet, Copenhagen University Hospital); PubMed 22851993 (cited by Myriad Genetics, Inc.); PubMed 25155404 (cited by Myriad Genetics, Inc.); PubMed 23321370 (cited by Myriad Genetics, Inc.); PubMed 2200760 (cited by Myriad Genetics, Inc. and Women's Health and Genetics/Laboratory Corporation of America, LabCorp); PubMed 6985481 (cited by 3 submitters); PubMed 22110956 (cited by Myriad Genetics, Inc.); PubMed 6280057 (cited by Quest Diagnostics Nichols Institute San Juan Capistrano); PubMed 2430648 (cited by Quest Diagnostics Nichols Institute San Juan Capistrano); PubMed 7795641 (cited by 3 submitters); PubMed 20704537 (cited by Women's Health and Genetics/Laboratory Corporation of America, LabCorp); PubMed 6310991 (cited by Women's Health and Genetics/Laboratory Corporation of America, LabCorp); PubMed 20437613 (cited by Women's Health and Genetics/Laboratory Corporation of America, LabCorp); PubMed 6292840 (cited by Women's Health and Genetics/Laboratory Corporation of America, LabCorp); PubMed 15108284 (cited by Women's Health and Genetics/Laboratory Corporation of America, LabCorp); PubMed 1917531 (cited by Women's Health and Genetics/Laboratory Corporation of America, LabCorp); PubMed 9140720 (cited by Women's Health and Genetics/Laboratory Corporation of America, LabCorp); PubMed 11857746 (cited by Women's Health and Genetics/Laboratory Corporation of America, LabCorp); PubMed 1390250 (cited by Women's Health and Genetics/Laboratory Corporation of America, LabCorp); PubMed 2446680 (cited by Women's Health and Genetics/Laboratory Corporation of America, LabCorp); PubMed 3683554 (cited by Women's Health and Genetics/Laboratory Corporation of America, LabCorp); PubMed 16311287 (cited by Women's Health and Genetics/Laboratory Corporation of America, LabCorp); PubMed 6162860 (cited by The ITHANET community portal, The Cyprus Institute of Neurology and Genetics); NCBI Bookshelf NBK1426 (cited by GeneReviews).